The following is an entry in ClinVar:

ClinVar aggregate classification (germline): Likely benign. Review status: criteria provided, single submitter (1 of 4 stars). 2 submissions from 2 submitters: Likely benign (1). 1 of the submissions does not count toward it. Last evaluated 2025-08-21.

Conditions:
PRR12-related disorder. Also called: PRR12-related condition.
Inborn genetic diseases. Identifiers: MedGen C0950123, MeSH D030342.

Allele frequency attached by ClinVar (database versions not stated): gnomAD exomes 0.00002; ExAC 0.00006; TOPMed 0.00019; gnomAD 0.00027; 1000 Genomes Project 0.00100; 1000 Genomes Project 30x 0.00109.
gnomAD v4.1: 65 of 1,611,676 alleles (0.004%); highest among the groups gnomAD compares: African/African-American, 0.084%; no homozygotes.

Submissions (2):

Ambry Genetics
Classification: Likely benign for Inborn genetic diseases. Last evaluated: 2025-08-21. Review status: criteria provided, single submitter. Criteria: Ambry Variant Classification Scheme 2023. Collection method: clinical testing. Allele origin: germline.

PreventionGenetics, part of Exact Sciences
Classification: Likely benign for PRR12-related condition. Last evaluated: 2024-02-18. Review status: no assertion criteria provided. Collection method: clinical testing. Allele origin: germline. Not counted in ClinVar's aggregate classification.
Comment: This variant is classified as likely benign based on ACMG/AMP sequence variant interpretation guidelines (Richards et al. 2015 PMID: 25741868, with internal and published modifications).

NM_020719.3(PRR12):c.3809T>C (p.Val1270Ala)

Gene: PRR12 (proline rich 12; plus strand). Cytogenetic location: 19q13.33.
Variant type: single nucleotide variant.
Coding change: c.3809T>C on transcript NM_020719.3 (MANE Select); coding-DNA position 3809, T replaced by C.
Protein change: p.Val1270Ala; replaces valine 1270 with alanine.
Molecular consequence: missense variant.
Genome position (GRCh38, 1-based): chr19:49,599,402, T>C. VCF-style: chr19-49599402-T-C. GRCh37 (hg19) VCF-style: chr19-50102659-T-C.
Other names: c.3809T>C (NM_020719.1); short protein forms V1270A.
Identifiers: ClinVar variation 3032565 (VCV003032565.3), dbSNP rs200956034, ClinGen allele CA9578362.